The following is an entry in ClinVar:

NM_000059.4(BRCA2):c.1118A>C (p.Gln373Pro)

Gene: BRCA2 (BRCA2 DNA repair associated; plus strand). Cytogenetic location: 13q13.1.
Variant type: single nucleotide variant.
Coding change: c.1118A>C on transcript NM_000059.4 (MANE Select); coding-DNA position 1118, A replaced by C.
Protein change: p.Gln373Pro; replaces glutamine 373 with proline.
Molecular consequence: missense variant.
Genome position (GRCh38, 1-based): chr13:32,332,596, A>C. VCF-style: chr13-32332596-A-C. GRCh37 (hg19) VCF-style: chr13-32906733-A-C.
Other names: short protein forms Q373P.
Identifiers: ClinVar variation 1510113 (VCV001510113.11), dbSNP rs2137467818, ClinGen allele CA387761649.

ClinVar aggregate classification (germline): Conflicting classifications of pathogenicity. Review status: criteria provided, conflicting classifications (1 of 4 stars). 4 submissions from 4 submitters: Uncertain significance (3); Likely benign (1). Last evaluated 2025-05-16.

Conditions:
Breast-ovarian cancer, familial, susceptibility to, 2 (BROVCA2). Also called: BRCA2 Hereditary Breast and Ovarian Cancer. Identifiers: Orphanet 145, MedGen C2675520, MONDO:0012933, OMIM 612555. Disease mechanism: loss of function.
Hereditary cancer-predisposing syndrome. Also called: Neoplastic Syndromes, Hereditary; Hereditary Cancer Syndrome; Tumor predisposition; Hereditary neoplastic syndrome. Identifiers: Orphanet 140162, MedGen C0027672, MeSH D009386, MONDO:0015356.
Hereditary breast ovarian cancer syndrome. Also called: BRCA1- and BRCA2-Associated Hereditary Breast and Ovarian Cancer; Hereditary breast and ovarian cancer; Breast and ovarian cancer; Hereditary breast and ovarian cancer syndrome; Hereditary breast and ovarian cancer syndrome (HBOC); Hereditary breast and/or ovarian cancer syndrome. Identifiers: Orphanet 145, MedGen C0677776, MeSH D061325, MONDO:0003582. Disease mechanism: loss of function.

gnomAD v4.1: 1 of 1,614,026 alleles (0.000062%); highest among the groups gnomAD compares: Non-Finnish European, 0.000085%; no homozygotes.

Submissions (4):

Labcorp Genetics (formerly Invitae), Labcorp
Classification: Uncertain significance for Hereditary breast ovarian cancer syndrome. Last evaluated: 2025-05-16. Review status: criteria provided, single submitter. Criteria: Invitae Variant Classification Sherloc (09022015). Collection method: clinical testing. Allele origin: germline.
Comment: This sequence change replaces glutamine, which is neutral and polar, with proline, which is neutral and non-polar, at codon 373 of the BRCA2 protein (p.Gln373Pro). This variant is not present in population databases (gnomAD no frequency). This variant has not been reported in the literature in individuals affected with BRCA2-related conditions. ClinVar contains an entry for this variant (Variation ID: 1510113). Invitae Evidence Modeling of protein sequence and biophysical properties (such as structural, functional, and spatial information, amino acid conservation, physicochemical variation, residue mobility, and thermodynamic stability) indicates that this missense variant is not expected to disrupt BRCA2 protein function with a negative predictive value of 95%. In summary, the available evidence is currently insufficient to determine the role of this variant in disease. Therefore, it has been classified as a Variant of Uncertain Significance.

Ambry Genetics
Classification: Uncertain significance for Hereditary cancer-predisposing syndrome. Last evaluated: 2024-04-24. Review status: criteria provided, single submitter. Criteria: Ambry Variant Classification Scheme 2023. Collection method: clinical testing. Allele origin: germline.
Comment: The p.Q373P variant (also known as c.1118A>C), located in coding exon 9 of the BRCA2 gene, results from an A to C substitution at nucleotide position 1118. The glutamine at codon 373 is replaced by proline, an amino acid with similar properties. This amino acid position is well conserved in available vertebrate species. In addition, this alteration is predicted to be tolerated by in silico analysis. Based on the available evidence, the clinical significance of this variant remains unclear.

All of Us Research Program, National Institutes of Health
Classification: Uncertain significance for Breast-ovarian cancer, familial, susceptibility to, 2. Last evaluated: 2023-10-06. Review status: criteria provided, single submitter. Criteria: ACMG Guidelines, 2015. Collection method: clinical testing. Allele origin: germline. Inheritance: Autosomal dominant inheritance. Observed: 1 variant allele, 1 heterozygote.
Comment: This missense variant replaces glutamine with proline at codon 373 of the BRCA2 protein. Computational prediction suggests that this variant may not impact protein structure and function (internally defined REVEL score threshold <= 0.5, PMID: 27666373). To our knowledge, functional studies have not been reported for this variant. This variant has been reported in 1 individual affected with ovarian cancer, this individual also carried a pathogenic variant in BRCA2 that could explain the observed phenotype (PMID: 32438681). This variant has not been identified in the general population by the Genome Aggregation Database (gnomAD). The available evidence is insufficient to determine the role of this variant in disease conclusively. Therefore, this variant is classified as a Variant of Uncertain Significance.

This study involves interpretation of variants in research participants for the purpose of population health screening. Participant phenotype was not available at the time of variant classification. Additional details can be found in publication PMID: 35346344, PMCID: PMC8962531

University of Washington Department of Laboratory Medicine, University of Washington
Classification: Likely benign for Hereditary cancer-predisposing syndrome. Last evaluated: 2023-03-23. Review status: criteria provided, single submitter. Criteria: Dines et al. (Genet Med. 2020). Collection method: curation. Allele origin: germline.
Comment: Missense variant in a coldspot region where missense variants are very unlikely to be pathogenic (PMID:31911673).

BRCA2 exon 10 coldspot. Reclassification based on statistical prior probability.

Literature cited by the submitters: PubMed 32438681 (cited by All of Us Research Program, National Institutes of Health).